The following is an entry in ClinVar:

NM_017739.4(POMGNT1):c.452C>A (p.Thr151Lys)

Genes: POMGNT1 (protein O-linked mannose N-acetylglucosaminyltransferase 1 (beta 1,2-); minus strand), TSPAN1 (tetraspanin 1; plus strand). Cytogenetic location: 1p34.1.
Variant type: single nucleotide variant.
Coding change: c.452C>A on transcript NM_017739.4 (MANE Select); coding-DNA position 452, C replaced by A.
Protein change: p.Thr151Lys; replaces threonine 151 with lysine.
Molecular consequence: missense variant.
Genome position (GRCh38, 1-based): chr1:46,195,893, G>T on the plus strand (C>A on the coding strand, the complement: POMGNT1 is on the minus strand). VCF-style: chr1-46195893-G-T. GRCh37 (hg19) VCF-style: chr1-46661565-G-T.
Other names: c.452C>A, p.Thr151Lys (NM_001243766.2, NM_001410783.1); c.386C>A, p.Thr129Lys (NM_001290129.3); c.23C>A, p.Thr8Lys (NM_001290130.2); short protein forms T129K, T151K, T8K.
Identifiers: ClinVar variation 1331387 (VCV001331387.3), dbSNP rs886044363, ClinGen allele CA340188698.

ClinVar aggregate classification (germline): Uncertain significance. Review status: criteria provided, multiple submitters, no conflicts (2 of 4 stars). 2 submissions from 2 submitters: Uncertain significance (2). Last evaluated 2021-12-10.

Conditions:
Autosomal recessive limb-girdle muscular dystrophy type 2O. Also called: MUSCULAR DYSTROPHY-DYSTROGLYCANOPATHY (LIMB-GIRDLE), TYPE C, 3; MUSCULAR DYSTROPHY-DYSTROGLYCANOPATHY, LIMB-GIRDLE, POMGNT1-RELATED; Limb-Girdle Muscular Dystrophy Type 3C. Identifiers: Orphanet 206564, MedGen C3150417, MONDO:0013161, OMIM 613157.
Muscular dystrophy-dystroglycanopathy (congenital with impaired intellectual development), type B, 3. Also called: MUSCULAR DYSTROPHY, CONGENITAL, POMGNT1-RELATED; Muscular dystrophy-dystroglycanopathy (congenital with intellectual disability), type B3. Identifiers: MedGen C3150412, MONDO:0013155, OMIM 613151.

Submissions (2):

Women's Health and Genetics/Laboratory Corporation of America, LabCorp
Classification: Uncertain significance. Last evaluated: 2021-12-10. Review status: criteria provided, single submitter. Criteria: LabCorp Variant Classification Summary - May 2015. Collection method: clinical testing. Allele origin: germline.
Comment: Variant summary: POMGNT1 c.452C>A (p.Thr151Lys) results in a non-conservative amino acid change located in the Protein O-linked-mannose beta-1,2-N-acetylglucosaminyltransferase 1, PANDER-like domain (IPR039474) of the encoded protein sequence. Five of five in-silico tools predict a damaging effect of the variant on protein function. The variant was absent in 250776 control chromosomes. The available data on variant occurrences in the general population are insufficient to allow any conclusion about variant significance. To our knowledge, no occurrence of c.452C>A in individuals affected with Limb-Girdle Muscular Dystrophy, Autosomal Recessive and no experimental evidence demonstrating its impact on protein function have been reported. No clinical diagnostic laboratories have submitted clinical-significance assessments for this variant to ClinVar after 2014. Based on the evidence outlined above, the variant was classified as uncertain significance.

Labcorp Genetics (formerly Invitae), Labcorp
Classification: Uncertain significance for Autosomal recessive limb-girdle muscular dystrophy type 2O; Muscular dystrophy-dystroglycanopathy (congenital with impaired intellectual development), type B, 3. Last evaluated: 2021-11-17. Review status: criteria provided, single submitter. Criteria: Invitae Variant Classification Sherloc (09022015). Collection method: clinical testing. Allele origin: germline.
Comment: This sequence change replaces threonine, which is neutral and polar, with lysine, which is basic and polar, at codon 151 of the POMGNT1 protein (p.Thr151Lys). This variant is not present in population databases (gnomAD no frequency). This variant has not been reported in the literature in individuals affected with POMGNT1-related conditions. Algorithms developed to predict the effect of missense changes on protein structure and function (SIFT, PolyPhen-2, Align-GVGD) all suggest that this variant is likely to be disruptive. In summary, the available evidence is currently insufficient to determine the role of this variant in disease. Therefore, it has been classified as a Variant of Uncertain Significance.